The following is an entry in ClinVar:

NM_138711.6(PPARG):c.*2AG[2]

Gene: PPARG (peroxisome proliferator activated receptor gamma; plus strand). Cytogenetic location: 3p25.2.
Variant type: Microsatellite.
Coding change: c.*2AG[2] on transcript NM_138711.6 (MANE Select); two copies in a row of the 2-base unit AG starting at c.*2; the reference has three copies in a row; one copy, 2 bases deleted.
Molecular consequence: 3 prime UTR variant.
Genome position (GRCh38, 1-based): chr3:12,434,151-12,434,152, AG deleted; deleting any 2 consecutive bases within chr3:12,434,147-12,434,152 gives the same sequence; the position shown is the placement nearest the transcript's 3' end. VCF-style (leftmost placement, unchanged base first): chr3-12434146-CAG-C. GRCh37 (hg19) VCF-style: chr3-12475645-CAG-C.
Other names: c.*232AG[2] (NM_001330615.4, NM_001374261.3, NM_001374262.3 and 1 more transcripts); c.*2AG[2] (NM_001354666.3, NM_001354667.3, NM_001354669.2 and 5 more transcripts); c.*216AG[2] (NM_001374266.1).
Identifiers: ClinVar variation 4977314 (VCV004977314.1).

ClinVar aggregate classification (germline): Likely benign (1 of 4 stars; one submission).

Conditions:
PPARG-related disorder. Also called: PPARG-related condition; PPARG-related disorders.

Submission:

PreventionGenetics, part of Exact Sciences
Classification: Likely benign for PPARG-related condition. Last evaluated: 2024-10-21. Review status: criteria provided, single submitter. Criteria: ACMG Guidelines, 2015. Collection method: clinical testing. Allele origin: germline.
Comment: This variant is classified as likely benign based on ACMG/AMP sequence variant interpretation guidelines (Richards et al. 2015 PMID: 25741868, with internal and published modifications).